The following is an entry in ClinVar:

ClinVar aggregate classification (germline): Uncertain significance. Review status: criteria provided, multiple submitters, no conflicts (2 of 4 stars). 2 submissions from 2 submitters: Uncertain significance (2). Last evaluated 2023-01-23.

Conditions:
Inborn genetic diseases. Identifiers: MedGen C0950123, MeSH D030342.

Allele frequency attached by ClinVar (database versions not stated): gnomAD exomes below 0.00001; gnomAD 0.00001; TOPMed 0.00001.
gnomAD v4.1: 2 of 1,573,462 alleles (0.00013%); highest among the groups gnomAD compares: Admixed American, 0.0018%; no homozygotes.

Submissions (2):

Ambry Genetics
Classification: Uncertain significance for Inborn genetic diseases. Last evaluated: 2023-01-23. Review status: criteria provided, single submitter. Criteria: Ambry Variant Classification Scheme 2023. Collection method: clinical testing. Allele origin: germline.

Labcorp Genetics (formerly Invitae), Labcorp
Classification: Uncertain significance. Last evaluated: 2022-07-26. Review status: criteria provided, single submitter. Criteria: Invitae Variant Classification Sherloc (09022015). Collection method: clinical testing. Allele origin: germline.
Comment: This sequence change replaces arginine, which is basic and polar, with lysine, which is basic and polar, at codon 18 of the ADSSL1 protein (p.Arg18Lys). This variant is not present in population databases (gnomAD no frequency). This variant has not been reported in the literature in individuals affected with ADSSL1-related conditions. Experimental studies and prediction algorithms are not available or were not evaluated, and the functional significance of this variant is currently unknown. In summary, the available evidence is currently insufficient to determine the role of this variant in disease. Therefore, it has been classified as a Variant of Uncertain Significance.

NM_152328.5(ADSS1):c.193-5075G>A

Gene: ADSS1 (adenylosuccinate synthase 1; plus strand). Cytogenetic location: 14q32.33.
Variant type: single nucleotide variant.
Coding change: c.193-5075G>A on transcript NM_152328.5 (MANE Select); 5075 bases into the intron before coding-DNA position 193, G replaced by A.
Molecular consequence: intron variant. On other transcripts: 5 prime UTR variant (1), missense variant (1).
Genome position (GRCh38, 1-based): chr14:104,729,945, G>A. VCF-style: chr14-104729945-G-A. GRCh37 (hg19) VCF-style: chr14-105196282-G-A.
Other names: c.-675G>A (NM_001320424.1); c.53G>A, p.Arg18Lys (NM_199165.2); c.53G>A (NM_199165.1); short protein forms R18K.
Identifiers: ClinVar variation 1925089 (VCV001925089.4), dbSNP rs368511329, ClinGen allele CA267335115.